The following is an entry in ClinVar:

ClinVar aggregate classification (germline): Uncertain significance (1 of 4 stars; one submission).

Conditions:
Hereditary cancer-predisposing syndrome. Also called: Neoplastic Syndromes, Hereditary; Tumor predisposition; Hereditary Cancer Syndrome; Hereditary neoplastic syndrome. Identifiers: Orphanet 140162, MedGen C0027672, MeSH D009386, MONDO:0015356.

Submission:

Ambry Genetics
Classification: Uncertain significance for Hereditary cancer-predisposing syndrome. Last evaluated: 2025-09-27. Review status: criteria provided, single submitter. Criteria: Ambry Variant Classification Scheme 2023. Collection method: clinical testing. Allele origin: germline.
Comment: The p.P618R variant (also known as c.1853C>G), located in coding exon 14 of the BAP1 gene, results from a C to G substitution at nucleotide position 1853. The proline at codon 618 is replaced by arginine, an amino acid with dissimilar properties. This amino acid position is conserved. In addition, this alteration is predicted to be tolerated by in silico analysis. Based on the available evidence, the clinical significance of this variant remains unclear.

NM_004656.4(BAP1):c.1853C>G (p.Pro618Arg)

Gene: BAP1 (BRCA1 associated deubiquitinase 1; minus strand). Cytogenetic location: 3p21.1.
Variant type: single nucleotide variant.
Coding change: c.1853C>G on transcript NM_004656.4 (MANE Select); coding-DNA position 1853, C replaced by G.
Protein change: p.Pro618Arg; replaces proline 618 with arginine.
Molecular consequence: missense variant.
Genome position (GRCh38, 1-based): chr3:52,403,175, G>C on the plus strand (C>G on the coding strand, the complement: BAP1 is on the minus strand). VCF-style: chr3-52403175-G-C. GRCh37 (hg19) VCF-style: chr3-52437191-G-C.
Other names: c.1799C>G, p.Pro600Arg (NM_001410772.1); short protein forms P600R, P618R.
Identifiers: ClinVar variation 4620525 (VCV004620525.1).